The following is an entry in ClinVar:

NM_001356.5(DDX3X):c.565G>T (p.Glu189Ter)

Gene: DDX3X (DEAD-box helicase 3 X-linked; plus strand). Cytogenetic location: Xp11.4.
Variant type: single nucleotide variant.
Coding change: c.565G>T on transcript NM_001356.5 (MANE Select); coding-DNA position 565, G replaced by T.
Protein change: p.Glu189Ter; replaces glutamic acid 189 with a stop codon.
Molecular consequence: nonsense. On other transcripts: non-coding transcript variant (1).
Genome position (GRCh38, 1-based): chrX:41,343,237, G>T. VCF-style: chrX-41343237-G-T. GRCh37 (hg19) VCF-style: chrX-41202490-G-T.
Other names: c.565G>T, p.Glu189Ter (NM_001193416.3); c.517G>T, p.Glu173Ter (NM_001193417.3); c.7G>T, p.Glu3Ter (NM_001363819.1); short protein forms E173*, E189*, E3*.
Identifiers: ClinVar variation 1356409 (VCV001356409.6), dbSNP rs2147351713, ClinGen allele CA412767783.
Genomic context (GRCh38, chrX:41,343,237, plus strand): 5'-TCTAGATAGCATTCCTAACCCCATTGAATTTCTTAACAGTTCAGTGATGTTGAGATGGGA[G>T]AAATTATCATGGGAAACATTGAGCTTACTCGTTATACTCGCCCAACTCCAGTGCAAAAGC-3'

ClinVar aggregate classification (germline): Pathogenic (1 of 4 stars; one submission).

Submission:

Labcorp Genetics (formerly Invitae), Labcorp
Classification: Pathogenic. Last evaluated: 2023-08-17. Review status: criteria provided, single submitter. Criteria: Invitae Variant Classification Sherloc (09022015). Collection method: clinical testing. Allele origin: germline.
Comment: For these reasons, this variant has been classified as Pathogenic. ClinVar contains an entry for this variant (Variation ID: 1356409). This variant has not been reported in the literature in individuals affected with DDX3X-related conditions. This variant is not present in population databases (gnomAD no frequency). This sequence change creates a premature translational stop signal (p.Glu189*) in the DDX3X gene. It is expected to result in an absent or disrupted protein product. Loss-of-function variants in DDX3X are known to be pathogenic (PMID: 26235985).

Literature cited by the submitters: PubMed 26235985.